The following is an entry in ClinVar:

ClinVar aggregate classification (germline): Benign (1 of 4 stars; one submission).

Allele frequency attached by ClinVar (database versions not stated): TOPMed 0.29062; 1000 Genomes Project 30x 0.29934; 1000 Genomes Project 0.30032; gnomAD 0.30559 and 0.30981.
gnomAD v4.1: 47,121 of 151,992 alleles (31%); highest among the groups gnomAD compares: South Asian, 41%; 7,893 homozygotes.

Submission:

GeneDx
Classification: Benign. Last evaluated: 2018-06-14. Review status: criteria provided, single submitter. Criteria: GeneDx Variant Classification (06012015). Collection method: clinical testing. Allele origin: germline. Affected: yes.
Comment: This variant is considered likely benign or benign based on one or more of the following criteria: it is a conservative change, it occurs at a poorly conserved position in the protein, it is predicted to be benign by multiple in silico algorithms, and/or has population frequency not consistent with disease.

NM_213649.2(SFXN4):c.936+326A>G

Gene: SFXN4 (sideroflexin 4; minus strand). Cytogenetic location: 10q26.11.
Variant type: single nucleotide variant.
Coding change: c.936+326A>G on transcript NM_213649.2 (MANE Select); 326 bases into the intron after coding-DNA position 936, A replaced by G.
Molecular consequence: intron variant.
Genome position (GRCh38, 1-based): chr10:119,145,910, T>C on the plus strand (A>G on the coding strand, the complement: SFXN4 is on the minus strand). VCF-style: chr10-119145910-T-C. GRCh37 (hg19) VCF-style: chr10-120905422-T-C.
Identifiers: ClinVar variation 683836 (VCV000683836.1), dbSNP rs12411420, ClinGen allele CA13171069.
Genomic context (GRCh38, chr10:119,145,910, plus strand): 5'-GGTCTCACTCTCAGCCAGGCTGGAGTGCAGTGGTGCAATCATGGCTCACTGCAGCCTCAA[T>C]CTCCTGGGCCCAGGTGATCCTCCCACCTCAGTCTCCTGCGCAGCTGGGACAACAGGTGTG-3'